The following is an entry in ClinVar:

NM_000070.3(CAPN3):c.1800G>A (p.Lys600=)

Gene: CAPN3 (calpain 3; plus strand). Cytogenetic location: 15q15.1.
Variant type: single nucleotide variant.
Coding change: c.1800G>A on transcript NM_000070.3 (MANE Select); coding-DNA position 1800, G replaced by A.
Protein change: p.Lys600=; no amino-acid change (lysine 600 retained).
Molecular consequence: synonymous variant. On other transcripts: 5 prime UTR variant (1), intron variant (3).
Genome position (GRCh38, 1-based): chr15:42,405,943, G>A. VCF-style: chr15-42405943-G-A. GRCh37 (hg19) VCF-style: chr15-42698141-G-A.
Other names: c.264G>A, p.Lys88= (NM_173088.2); c.-82G>A (NM_173090.2); c.1782+2166G>A (NM_024344.2); c.1638+2166G>A (NM_173087.2); c.-82+988G>A (NM_173089.2).
Identifiers: ClinVar variation 2161053 (VCV002161053.6), dbSNP rs776538598, ClinGen allele CA7511538.

ClinVar aggregate classification (germline): Uncertain significance. Review status: criteria provided, multiple submitters, no conflicts (2 of 4 stars). 2 submissions from 2 submitters: Uncertain significance (2). Last evaluated 2024-04-25.

Conditions:
Autosomal recessive limb-girdle muscular dystrophy type 2A (LGMDR1). Also called: Muscular dystrophy, limb-girdle, type 2A, Amish; LEYDEN-MOEBIUS MUSCULAR DYSTROPHY; MUSCULAR DYSTROPHY, PELVOFEMORAL; Limb-girdle muscular dystrophy, type 2A; Calpainopathy. Identifiers: Orphanet 267, MedGen C1869123, MONDO:0009675, OMIM 253600. Disease mechanism: loss of function.

Allele frequency attached by ClinVar (database versions not stated): gnomAD exomes 0.00001; TOPMed 0.00001; ExAC 0.00002; gnomAD 0.00005.

Submissions (2):

Labcorp Genetics (formerly Invitae), Labcorp
Classification: Uncertain significance for Autosomal recessive limb-girdle muscular dystrophy type 2A. Last evaluated: 2024-04-25. Review status: criteria provided, single submitter. Criteria: Invitae Variant Classification Sherloc (09022015). Collection method: clinical testing. Allele origin: germline.
Comment: This sequence change affects codon 600 of the CAPN3 mRNA. It is a 'silent' change, meaning that it does not change the encoded amino acid sequence of the CAPN3 protein. This variant also falls at the last nucleotide of exon 15, which is part of the consensus splice site for this exon. This variant is present in population databases (rs776538598, gnomAD 0.01%). This variant has not been reported in the literature in individuals affected with CAPN3-related conditions. ClinVar contains an entry for this variant (Variation ID: 2161053). Variants that disrupt the consensus splice site are a relatively common cause of aberrant splicing (PMID: 17576681, 9536098). Algorithms developed to predict the effect of sequence changes on RNA splicing suggest that this variant may disrupt the consensus splice site. In summary, the available evidence is currently insufficient to determine the role of this variant in disease. Therefore, it has been classified as a Variant of Uncertain Significance.

Revvity Omics, Revvity
Classification: Uncertain significance. Last evaluated: 2019-10-16. Review status: criteria provided, single submitter. Criteria: ACMG Guidelines, 2015. Collection method: clinical testing. Allele origin: germline.

Literature cited by the submitters: PubMed 17576681 (cited by Labcorp Genetics (formerly Invitae), Labcorp); PubMed 9536098 (cited by Labcorp Genetics (formerly Invitae), Labcorp).